The following is an entry in ClinVar:

NM_020184.4(CNNM4):c.1681+4G>C

Gene: CNNM4 (cyclin and CBS domain divalent metal cation transport mediator 4; plus strand). Cytogenetic location: 2q11.2.
Variant type: single nucleotide variant.
Coding change: c.1681+4G>C on transcript NM_020184.4 (MANE Select); 4 bases into the intron after coding-DNA position 1681, G replaced by C.
Molecular consequence: intron variant.
Genome position (GRCh38, 1-based): chr2:96,797,651, G>C. VCF-style: chr2-96797651-G-C. GRCh37 (hg19) VCF-style: chr2-97463388-G-C.
Identifiers: ClinVar variation 847307 (VCV000847307.8), dbSNP rs781294642, ClinGen allele CA1783423.

ClinVar aggregate classification (germline): Conflicting classifications of pathogenicity. Review status: criteria provided, conflicting classifications (1 of 4 stars). 3 submissions from 3 submitters: Uncertain significance (2); Likely benign (1). Last evaluated 2025-01-15.

Allele frequency attached by ClinVar (database versions not stated): gnomAD 0.00001; TOPMed 0.00003; gnomAD exomes 0.00004; ExAC 0.00005.
gnomAD v4.1: 13 of 1,613,836 alleles (0.00081%); highest among the groups gnomAD compares: Admixed American, 0.017%; no homozygotes.

Submissions (3):

Dasa
Classification: Uncertain significance. Last evaluated: 2025-01-15. Review status: criteria provided, single submitter. Criteria: DASA Assertion Criteria. Collection method: clinical testing. Allele origin: germline.
Comment: NM_020184.4(CNNM4):c.1681+4G>C is a splice-region variant. This variant is rare in population databases. Computational prediction algorithms are consistent with a benign effect. The currently available literature and clinical evidence are not sufficient to establish a definitive association between this variant and the reported condition. Therefore, this variant is classified as a variant of uncertain significance.

Labcorp Genetics (formerly Invitae), Labcorp
Classification: Uncertain significance. Last evaluated: 2022-09-07. Review status: criteria provided, single submitter. Criteria: Invitae Variant Classification Sherloc (09022015). Collection method: clinical testing. Allele origin: germline.
Comment: In summary, the available evidence is currently insufficient to determine the role of this variant in disease. Therefore, it has been classified as a Variant of Uncertain Significance. Variants that disrupt the consensus splice site are a relatively common cause of aberrant splicing (PMID: 17576681, 9536098). Algorithms developed to predict the effect of sequence changes on RNA splicing suggest that this variant is not likely to affect RNA splicing. ClinVar contains an entry for this variant (Variation ID: 847307). This variant has not been reported in the literature in individuals affected with CNNM4-related conditions. This variant is present in population databases (rs781294642, gnomAD 0.02%). This sequence change falls in intron 3 of the CNNM4 gene. It does not directly change the encoded amino acid sequence of the CNNM4 protein. It affects a nucleotide within the consensus splice site.

Blueprint Genetics
Classification: Likely benign. Last evaluated: 2022-09-02. Review status: criteria provided, single submitter. Criteria: ACMG Guidelines, 2015. Collection method: clinical testing. Allele origin: germline.

Literature cited by the submitters: PubMed 17576681 (cited by Labcorp Genetics (formerly Invitae), Labcorp); PubMed 9536098 (cited by Labcorp Genetics (formerly Invitae), Labcorp).